The following is an entry in ClinVar:

ClinVar aggregate classification (germline): Pathogenic. Review status: criteria provided, multiple submitters, no conflicts (2 of 4 stars). 5 submissions from 5 submitters: Pathogenic (4). 1 of the submissions does not count toward it. Last evaluated 2026-01-14.

Conditions:
Glutaric aciduria, type 1. Also called: Glutaric acidemia type I; Glutaricaciduria, type I; Glutaryl-CoA dehydrogenase deficiency; Glutaricacidemia Type 1; Glutaric Acidemia Type 1; GA I. Identifiers: Orphanet 25, MedGen C0268595, MONDO:0009281, OMIM 231670.

Allele frequency attached by ClinVar (database versions not stated): ExAC 0.00001; gnomAD exomes 0.00001 and 0.00004.

Submissions (5):

Labcorp Genetics (formerly Invitae), Labcorp
Classification: Pathogenic for Glutaric aciduria, type 1. Last evaluated: 2026-01-14. Review status: criteria provided, single submitter. Criteria: Invitae Variant Classification Sherloc (09022015). Collection method: clinical testing. Allele origin: germline.
Comment: This sequence change creates a premature translational stop signal (p.Leu283Argfs*8) in the GCDH gene. It is expected to result in an absent or disrupted protein product. Loss-of-function variants in GCDH are known to be pathogenic (PMID: 10699052, 11854167, 16602100). This variant is present in population databases (rs761491320, gnomAD 0.02%). This premature translational stop signal has been observed in individuals with glutaric acidemia type I (PMID: 26316201, 29086383). ClinVar contains an entry for this variant (Variation ID: 370672). For these reasons, this variant has been classified as Pathogenic.

Fulgent Genetics
Classification: Pathogenic for Glutaric aciduria, type 1. Last evaluated: 2024-05-18. Review status: criteria provided, single submitter. Criteria: ACMG Guidelines, 2015. Collection method: clinical testing. Allele origin: germline.

Natera, Inc.
Classification: Pathogenic for Glutaric acidemia type 1. Last evaluated: 2024-03-29. Review status: criteria provided, single submitter. Criteria: Natera Variant Classification Schema (03/2026). Collection method: clinical testing. Allele origin: germline.
Comment: The c.848delT variant in GCDH is a frameshift variant predicted to shift the reading frame beginning at codon 283 and leads to a stop codon 8 codons downstream. This variant is expected to result in nonsense mediated decay, truncation, or a dysfunctional protein product. This variant is rare in the general population with a frequency below the threshold expected for the associated phenotype(s). This variant has been observed in one or more individuals affected with the associated recessive disease, as either homozygous or compound heterozygous with a second variant (PMID: 10960496). Given the available evidence, this variant is classified as Pathogenic.

Baylor Genetics
Classification: Pathogenic for Glutaric aciduria, type 1. Last evaluated: 2024-01-22. Review status: criteria provided, single submitter. Criteria: ACMG Guidelines, 2015. Collection method: clinical testing. Allele origin: unknown.

Counsyl
Classification: Likely pathogenic for Glutaric aciduria, type 1. Last evaluated: 2016-03-22. Review status: no assertion criteria provided. Collection method: clinical testing. Allele origin: unknown. Not counted in ClinVar's aggregate classification.

Literature cited by the submitters: PubMed 10699052 (cited by Labcorp Genetics (formerly Invitae), Labcorp); PubMed 11854167 (cited by Labcorp Genetics (formerly Invitae), Labcorp); PubMed 16602100 (cited by Labcorp Genetics (formerly Invitae), Labcorp); PubMed 26316201 (cited by Labcorp Genetics (formerly Invitae), Labcorp); PubMed 29086383 (cited by Labcorp Genetics (formerly Invitae), Labcorp); PubMed 10960496 (cited by Natera, Inc. and Counsyl).

NM_000159.4(GCDH):c.848del (p.Leu283fs)

Gene: GCDH (glutaryl-CoA dehydrogenase; plus strand). Cytogenetic location: 19p13.13.
Variant type: Deletion.
Coding change: c.848del on transcript NM_000159.4 (MANE Select); coding-DNA position 848, one base deleted (T; older notation c.848delT).
Protein change: p.Leu283fs; shifts the reading frame from leucine 283.
Molecular consequence: frameshift variant. On other transcripts: non-coding transcript variant (2).
Genome position (GRCh38, 1-based): chr19:12,896,417, T deleted. VCF-style (leftmost placement, unchanged base first): chr19-12896416-CT-C. GRCh37 (hg19) VCF-style: chr19-13007230-CT-C.
Other names: c.848del (NM_000159.3); c.848del, p.Leu283fs (NM_013976.5); short protein forms L283fs.
Identifiers: ClinVar variation 370672 (VCV000370672.18), dbSNP rs761491320, ClinGen allele CA9234504.